The following is an entry in ClinVar:

ClinVar aggregate classification (germline): Conflicting classifications of pathogenicity. Review status: criteria provided, conflicting classifications (1 of 4 stars). 5 submissions from 5 submitters: Uncertain significance (2); Benign (1). 2 of the submissions do not count toward it. Last evaluated 2025-08-11.

Conditions:
Retinal dystrophy. Also called: Inherited retinal dystrophy. Identifiers: Orphanet 71862, MedGen C0854723, MeSH D058499, MONDO:0019118, HP:0000556.

Allele frequency attached by ClinVar (database versions not stated): ExAC 0.00002; gnomAD 0.00002 and 0.00003; gnomAD exomes 0.00002.
gnomAD v4.1: 28 of 1,613,244 alleles (0.0017%); highest among the groups gnomAD compares: East Asian, 0.0067%; no homozygotes.

Submissions (5):

Labcorp Genetics (formerly Invitae), Labcorp
Classification: Uncertain significance. Last evaluated: 2025-08-11. Review status: criteria provided, single submitter. Criteria: Invitae Variant Classification Sherloc (09022015). Collection method: clinical testing. Allele origin: germline.
Comment: This sequence change replaces arginine, which is basic and polar, with glutamine, which is neutral and polar, at codon 314 of the RHO protein (p.Arg314Gln). This variant is present in population databases (rs753609310, gnomAD 0.009%). This variant has not been reported in the literature in individuals affected with RHO-related conditions. ClinVar contains an entry for this variant (Variation ID: 1284597). Invitae Evidence Modeling of protein sequence and biophysical properties (such as structural, functional, and spatial information, amino acid conservation, physicochemical variation, residue mobility, and thermodynamic stability) has been performed for this missense variant. However, the output from this modeling did not meet the statistical confidence thresholds required to predict the impact of this variant on RHO protein function. In summary, the available evidence is currently insufficient to determine the role of this variant in disease. Therefore, it has been classified as a Variant of Uncertain Significance.

Blueprint Genetics
Classification: Uncertain significance. Last evaluated: 2024-05-07. Review status: criteria provided, single submitter. Criteria: ACMG Guidelines, 2015. Collection method: clinical testing. Allele origin: germline.

Dept Of Ophthalmology, Nagoya University
Classification: Benign for Retinal dystrophy. Last evaluated: 2023-10-01. Review status: criteria provided, single submitter. Criteria: Submitter's publication. Collection method: research. Allele origin: germline. Affected: yes.

Clinical Genetics, Academic Medical Center
Classification: Uncertain significance. Review status: no assertion criteria provided. Collection method: clinical testing. Allele origin: germline. Affected: yes. Study: VKGL Data-share Consensus. Not counted in ClinVar's aggregate classification.

Joint Genome Diagnostic Labs from Nijmegen and Maastricht, Radboudumc and MUMC+
Classification: Uncertain significance. Review status: no assertion criteria provided. Collection method: clinical testing. Allele origin: germline. Affected: yes. Study: VKGL Data-share Consensus. Not counted in ClinVar's aggregate classification.

NM_000539.3(RHO):c.941G>A (p.Arg314Gln)

Gene: RHO (rhodopsin; plus strand). Cytogenetic location: 3q22.1.
Variant type: single nucleotide variant.
Coding change: c.941G>A on transcript NM_000539.3 (MANE Select); coding-DNA position 941, G replaced by A.
Protein change: p.Arg314Gln; replaces arginine 314 with glutamine.
Molecular consequence: missense variant.
Genome position (GRCh38, 1-based): chr3:129,533,612, G>A. VCF-style: chr3-129533612-G-A. GRCh37 (hg19) VCF-style: chr3-129252455-G-A.
Other names: short protein forms R314Q.
Identifiers: ClinVar variation 1284597 (VCV001284597.12), dbSNP rs753609310, ClinGen allele CA2607342.